The following is an entry in ClinVar:

NM_001164508.2(NEB):c.13G>A (p.Glu5Lys)

Gene: NEB (nebulin; minus strand). Cytogenetic location: 2q23.3.
Variant type: single nucleotide variant.
Coding change: c.13G>A on transcript NM_001164508.2 (MANE Select); coding-DNA position 13, G replaced by A.
Protein change: p.Glu5Lys; replaces glutamic acid 5 with lysine.
Molecular consequence: missense variant.
Genome position (GRCh38, 1-based): chr2:151,733,144, C>T on the plus strand (G>A on the coding strand, the complement: NEB is on the minus strand). VCF-style: chr2-151733144-C-T. GRCh37 (hg19) VCF-style: chr2-152589658-C-T.
Other names: c.13G>A, p.Glu5Lys (NM_001164507.2, NM_001271208.2, NM_004543.5); c.13G>A (NM_001271208.1); short protein forms E5K.
Identifiers: ClinVar variation 331544 (VCV000331544.19), dbSNP rs374390581, ClinGen allele CA1912042.

ClinVar aggregate classification (germline): Conflicting classifications of pathogenicity. Review status: criteria provided, conflicting classifications (1 of 4 stars). 5 submissions from 5 submitters: Uncertain significance (3); Benign (1). 1 of the submissions does not count toward it. Last evaluated 2025-12-24.

Conditions:
Inborn genetic diseases. Identifiers: MedGen C0950123, MeSH D030342.
Nemaline myopathy 2 (NEM2). Also called: Nemaline myopathy 2, autosomal recessive. Identifiers: MedGen C1850569, MONDO:0009725, OMIM 256030.

Allele frequency attached by ClinVar (database versions not stated): gnomAD exomes 0.00003 and 0.00006; ExAC 0.00005; TOPMed 0.00006; gnomAD 0.00009 and 0.00010; ESP Exome Variant Server 0.00017.
gnomAD v4.1: 94 of 1,604,950 alleles (0.0059%); highest among the groups gnomAD compares: African/African-American, 0.02%; no homozygotes.

Submissions (5):

Labcorp Genetics (formerly Invitae), Labcorp
Classification: Benign for Nemaline myopathy 2. Last evaluated: 2025-12-24. Review status: criteria provided, single submitter. Criteria: Invitae Variant Classification Sherloc (09022015). Collection method: clinical testing. Allele origin: germline.

GeneDx
Classification: Uncertain significance. Last evaluated: 2025-07-01. Review status: criteria provided, single submitter. Criteria: GeneDx Variant Classification Process June 2021. Collection method: clinical testing. Allele origin: germline. Affected: yes.
Comment: In silico analysis suggests that this missense variant does not alter protein structure/function; Has not been previously published as pathogenic or benign to our knowledge; In silico analysis is inconclusive as to whether the variant alters gene splicing. In the absence of RNA/functional studies, the actual effect of this sequence change is unknown.

Ambry Genetics
Classification: Uncertain significance for Inborn genetic diseases. Last evaluated: 2025-06-18. Review status: criteria provided, single submitter. Criteria: Ambry Variant Classification Scheme 2023. Collection method: clinical testing. Allele origin: germline.

Illumina Laboratory Services, Illumina
Classification: Uncertain significance for Nemaline myopathy 2. Last evaluated: 2018-01-13. Review status: criteria provided, single submitter. Criteria: ICSL Variant Classification Criteria 13 December 2019. Collection method: clinical testing. Allele origin: germline.

Natera, Inc.
Classification: Uncertain significance for Nemaline myopathy type 2. Last evaluated: 2019-11-11. Review status: no assertion criteria provided. Collection method: clinical testing. Allele origin: germline. Not counted in ClinVar's aggregate classification.